The following is an entry in ClinVar:

NM_002775.5(HTRA1):c.235C>T (p.Gln79Ter)

Gene: HTRA1 (HtrA serine peptidase 1; plus strand). Cytogenetic location: 10q26.13.
Variant type: single nucleotide variant.
Coding change: c.235C>T on transcript NM_002775.5 (MANE Select); coding-DNA position 235, C replaced by T.
Protein change: p.Gln79Ter; replaces glutamine 79 with a stop codon.
Molecular consequence: nonsense.
Genome position (GRCh38, 1-based): chr10:122,461,887, C>T. VCF-style: chr10-122461887-C-T. GRCh37 (hg19) VCF-style: chr10-124221403-C-T.
Other names: short protein forms Q79*.
Identifiers: ClinVar variation 978704 (VCV000978704.3), dbSNP rs2097481554, ClinGen allele CA378605950.

ClinVar aggregate classification (germline): Likely pathogenic (0 of 4 stars; one submission).

Conditions:
Cerebral arteriopathy, autosomal recessive, with subcortical infarcts and leukoencephalopathy 2. Also called: CEREBROVASCULAR DISEASE WITH THIN SKIN, ALOPECIA, AND DISC DISEASE; MAEDA SYNDROME; Cerebral autosomal recessive arteriopathy with subcortical infarcts and leukoencephalopathy; SUBCORTICAL VASCULAR ENCEPHALOPATHY, PROGRESSIVE; CARASIL syndrome. Identifiers: Orphanet 199354, MedGen C6022615, MONDO:0010829, OMIM 600142.

Submission:

Istanbul Faculty of Medicine, Istanbul University
Classification: Likely pathogenic for CARASIL syndrome. Last evaluated: 2020-08-26. Review status: no assertion criteria provided. Collection method: clinical testing. Allele origin: germline. Affected: yes. Observed: 2 variant alleles.

Literature cited by the submitters: DOI 10.4274/tnd.2021.91298.